The following is an entry in ClinVar:

ClinVar aggregate classification (germline): Uncertain significance. Review status: criteria provided, multiple submitters, no conflicts (2 of 4 stars). 2 submissions from 2 submitters: Uncertain significance (2). Last evaluated 2026-05-19.

gnomAD v4.1: 12 of 1,614,072 alleles (0.00074%); highest among the groups gnomAD compares: South Asian, 0.013%; no homozygotes.

Submissions (2):

GeneDx
Classification: Uncertain significance. Last evaluated: 2026-05-19. Review status: criteria provided, single submitter. Criteria: GeneDx Variant Classification Process June 2021. Collection method: clinical testing. Allele origin: germline.
Comment: Not observed at significant frequency in large population cohorts (gnomAD); In silico analysis supports that this missense variant has a deleterious effect on protein structure/function; Has not been previously published as pathogenic or benign to our knowledge

CeGaT Center for Human Genetics Tuebingen
Classification: Uncertain significance. Last evaluated: 2017-03-01. Review status: criteria provided, single submitter. Criteria: CeGaT Center For Human Genetics Tuebingen Variant Classification Criteria Version 2. Collection method: clinical testing. Allele origin: germline. Affected: yes. Observed: 1 variant allele.

NM_001352514.2(HLCS):c.1970G>A (p.Gly657Glu)

Gene: HLCS (holocarboxylase synthetase; minus strand). Cytogenetic location: 21q22.13.
Variant type: single nucleotide variant.
Coding change: c.1970G>A on transcript NM_001352514.2 (MANE Select); coding-DNA position 1970, G replaced by A.
Protein change: p.Gly657Glu; replaces glycine 657 with glutamic acid.
Molecular consequence: missense variant. On other transcripts: non-coding transcript variant (2).
Genome position (GRCh38, 1-based): chr21:36,765,163, C>T on the plus strand (G>A on the coding strand, the complement: HLCS is on the minus strand). VCF-style: chr21-36765163-C-T. GRCh37 (hg19) VCF-style: chr21-38137464-C-T.
Other names: c.1529G>A, p.Gly510Glu (NM_000411.8, NM_001242784.3, NM_001242785.2 and 4 more transcripts); c.1529G>A (NM_000411.6); short protein forms G510E, G657E.
Identifiers: ClinVar variation 444574 (VCV000444574.45), dbSNP rs139216349, ClinGen allele CA10020395.